The following is an entry in ClinVar:

NM_020843.4(SCAPER):c.2322G>A (p.Gly774=)

Gene: SCAPER (S-phase cyclin A associated protein in the ER; minus strand). Cytogenetic location: 15q24.3.
Variant type: single nucleotide variant.
Coding change: c.2322G>A on transcript NM_020843.4 (MANE Select); coding-DNA position 2322, G replaced by A.
Protein change: p.Gly774=; no amino-acid change (glycine 774 retained).
Molecular consequence: synonymous variant. On other transcripts: non-coding transcript variant (1).
Genome position (GRCh38, 1-based): chr15:76,702,928, C>T on the plus strand (G>A on the coding strand, the complement: SCAPER is on the minus strand). VCF-style: chr15-76702928-C-T. GRCh37 (hg19) VCF-style: chr15-76995269-C-T.
Other names: c.2340G>A (NM_001353009.1); c.1584G>A, p.Gly528= (NM_001145923.2); c.2340G>A, p.Gly780= (NM_001353009.2); c.1920G>A, p.Gly640= (NM_001353010.2, NM_001353012.2); c.1938G>A, p.Gly646= (NM_001353011.2).
Identifiers: ClinVar variation 723289 (VCV000723289.29), dbSNP rs116853941, ClinGen allele CA7674735.

ClinVar aggregate classification (germline): Benign/Likely benign. Review status: criteria provided, multiple submitters, no conflicts (2 of 4 stars). 3 submissions from 3 submitters: Benign (1); Likely benign (1). 1 of the submissions does not count toward it. Last evaluated 2026-03-01.

Conditions:
SCAPER-related disorder. Also called: SCAPER-related condition.

Allele frequency attached by ClinVar (database versions not stated): 1000 Genomes Project 0.00120; 1000 Genomes Project 30x 0.00125; TOPMed 0.00132; ESP Exome Variant Server 0.00149; ExAC 0.00342; gnomAD 0.00356 and 0.00377; gnomAD exomes 0.00382.
gnomAD v4.1: 4,499 of 1,611,016 alleles (0.28%); highest among the groups gnomAD compares: Non-Finnish European, 0.24%; 28 homozygotes.

Submissions (3):

CeGaT Center for Human Genetics Tuebingen
Classification: Likely benign. Last evaluated: 2026-03-01. Review status: criteria provided, single submitter. Criteria: CeGaT Center For Human Genetics Tuebingen Variant Classification Criteria Version 2. Collection method: clinical testing. Allele origin: germline. Affected: yes. Observed: 7 variant alleles.
Comment: SCAPER: BP4, BP7

Labcorp Genetics (formerly Invitae), Labcorp
Classification: Benign. Last evaluated: 2019-12-31. Review status: criteria provided, single submitter. Criteria: Invitae Variant Classification Sherloc (09022015). Collection method: clinical testing. Allele origin: germline.

PreventionGenetics, part of Exact Sciences
Classification: Benign for SCAPER-related condition. Last evaluated: 2024-07-29. Review status: no assertion criteria provided. Collection method: clinical testing. Allele origin: germline. Not counted in ClinVar's aggregate classification.
Comment: This variant is classified as benign based on ACMG/AMP sequence variant interpretation guidelines (Richards et al. 2015 PMID: 25741868, with internal and published modifications).